The following is an entry in ClinVar:

ClinVar aggregate classification (germline): Uncertain significance (1 of 4 stars; one submission).

Conditions:
Pitt-Hopkins-like syndrome 2 (PTHSL2). Identifiers: Orphanet 221150, Orphanet 600663, MedGen C3280479, MONDO:0013690, OMIM 614325.

Submission:

Labcorp Genetics (formerly Invitae), Labcorp
Classification: Uncertain significance for Pitt-Hopkins-like syndrome 2. Last evaluated: 2023-07-10. Review status: criteria provided, single submitter. Criteria: Invitae Variant Classification Sherloc (09022015). Collection method: clinical testing. Allele origin: unknown.
Comment: This variant results in a copy number gain of the genomic region encompassing exon(s) 4-6 of the NRXN1 gene. While the exact position of this variant cannot be determined from the data, sub-genic copy number gains are generally in tandem (PMID: 25640679). This variant is predicted to be in-frame, and likely preserves the integrity of the reading frame. This variant has not been reported in the literature in individuals affected with NRXN1-related conditions. Experimental studies and prediction algorithms are not available or were not evaluated, and the functional significance of this variant is currently unknown. In summary, the available evidence is currently insufficient to determine the role of this variant in disease. Therefore, it has been classified as a Variant of Uncertain Significance.

Literature cited by the submitters: PubMed 25640679.

NC_000002.11:g.(?_51148987)_(51153113_?)dup

Gene: NRXN1 (neurexin 1; minus strand). Cytogenetic location: 2p16.3.
Variant type: Duplication.
Identifiers: ClinVar variation 3247392 (VCV003247392.1).